The following is an entry in ClinVar:

ClinVar aggregate classification (germline): Uncertain significance. Review status: criteria provided, multiple submitters, no conflicts (2 of 4 stars). 2 submissions from 2 submitters: Uncertain significance (2). Last evaluated 2025-08-06.

gnomAD v4.1: 24 of 1,613,844 alleles (0.0015%); highest among the groups gnomAD compares: Middle Eastern, 0.016%; no homozygotes.

Submissions (2):

Ambry Genetics
Classification: Uncertain significance. Last evaluated: 2025-08-06. Review status: criteria provided, single submitter. Criteria: Ambry Variant Classification Scheme 2023. Collection method: clinical testing. Allele origin: germline.

Labcorp Genetics (formerly Invitae), Labcorp
Classification: Uncertain significance. Last evaluated: 2025-05-03. Review status: criteria provided, single submitter. Criteria: Invitae Variant Classification Sherloc (09022015). Collection method: clinical testing. Allele origin: germline.
Comment: This sequence change replaces arginine, which is basic and polar, with tryptophan, which is neutral and slightly polar, at codon 1211 of the DSCAML1 protein (p.Arg1211Trp). This variant is present in population databases (rs572720930, gnomAD 0.004%). This variant has not been reported in the literature in individuals affected with DSCAML1-related conditions. An algorithm developed to predict the effect of missense changes on protein structure and function (PolyPhen-2) suggests that this variant is likely to be disruptive. In summary, the available evidence is currently insufficient to determine the role of this variant in disease. Therefore, it has been classified as a Variant of Uncertain Significance.

NM_020693.4(DSCAML1):c.3451C>T (p.Arg1151Trp)

Gene: DSCAML1 (DS cell adhesion molecule like 1; minus strand). Cytogenetic location: 11q23.3.
Variant type: single nucleotide variant.
Coding change: c.3451C>T on transcript NM_020693.4 (MANE Select); coding-DNA position 3451, C replaced by T.
Protein change: p.Arg1151Trp; replaces arginine 1151 with tryptophan.
Molecular consequence: missense variant.
Genome position (GRCh38, 1-based): chr11:117,458,871, G>A on the plus strand (C>T on the coding strand, the complement: DSCAML1 is on the minus strand). VCF-style: chr11-117458871-G-A. GRCh37 (hg19) VCF-style: chr11-117329587-G-A.
Other names: short protein forms R1151W.
Identifiers: ClinVar variation 4244960 (VCV004244960.2).